The following is an entry in ClinVar:

ClinVar aggregate classification (germline): Uncertain significance (1 of 4 stars; one submission).

gnomAD v4.1: 41 of 1,613,776 alleles (0.0025%); highest among the groups gnomAD compares: Non-Finnish European, 0.0035%; no homozygotes.

Submission:

Labcorp Genetics (formerly Invitae), Labcorp
Classification: Uncertain significance. Last evaluated: 2025-04-16. Review status: criteria provided, single submitter. Criteria: Invitae Variant Classification Sherloc (09022015). Collection method: clinical testing. Allele origin: germline.
Comment: This sequence change replaces valine, which is neutral and non-polar, with leucine, which is neutral and non-polar, at codon 443 of the TTLL5 protein (p.Val443Leu). This variant is present in population databases (rs150806352, gnomAD 0.004%). This variant has not been reported in the literature in individuals affected with TTLL5-related conditions. ClinVar contains an entry for this variant (Variation ID: 1360298). Invitae Evidence Modeling of protein sequence and biophysical properties (such as structural, functional, and spatial information, amino acid conservation, physicochemical variation, residue mobility, and thermodynamic stability) indicates that this missense variant is not expected to disrupt TTLL5 protein function with a negative predictive value of 80%. In summary, the available evidence is currently insufficient to determine the role of this variant in disease. Therefore, it has been classified as a Variant of Uncertain Significance.

NM_015072.5(TTLL5):c.1327G>T (p.Val443Leu)

Gene: TTLL5 (tubulin tyrosine ligase like 5; plus strand). Cytogenetic location: 14q24.3.
Variant type: single nucleotide variant.
Coding change: c.1327G>T on transcript NM_015072.5 (MANE Select); coding-DNA position 1327, G replaced by T.
Protein change: p.Val443Leu; replaces valine 443 with leucine.
Molecular consequence: missense variant.
Genome position (GRCh38, 1-based): chr14:75,745,140, G>T. VCF-style: chr14-75745140-G-T. GRCh37 (hg19) VCF-style: chr14-76211483-G-T.
Other names: short protein forms V443L.
Identifiers: ClinVar variation 1360298 (VCV001360298.8), dbSNP rs150806352, ClinGen allele CA7279351.